The following is an entry in ClinVar:

NM_207361.6(FREM2):c.1127G>A (p.Arg376His)

Gene: FREM2 (FRAS1 related extracellular matrix 2; plus strand). Cytogenetic location: 13q13.3.
Variant type: single nucleotide variant.
Coding change: c.1127G>A on transcript NM_207361.6 (MANE Select); coding-DNA position 1127, G replaced by A.
Protein change: p.Arg376His; replaces arginine 376 with histidine.
Molecular consequence: missense variant.
Genome position (GRCh38, 1-based): chr13:38,688,471, G>A. VCF-style: chr13-38688471-G-A. GRCh37 (hg19) VCF-style: chr13-39262608-G-A.
Other names: c.1127G>A (NM_207361.5); short protein forms R376H.
Identifiers: ClinVar variation 3279802 (VCV003279802.3).
Genomic context (GRCh38, chr13:38,688,471, plus strand): 5'-TCTTCAACCTTACTTCTCCATTCCAGCCTGGCCAGGGCTACTTGGTGAGCACCGATGATC[G>A]CAGCCTGCCCCTTTCCTCCTTCACTCAGAGGGATCTGCGGCTCCTGAAGATTGCCTACCA-3'
Protein context (NP_997244.4, residues 366-386): GQGYLVSTDD[Arg376His]SLPLSSFTQR

ClinVar aggregate classification (germline): Uncertain significance. Review status: criteria provided, multiple submitters, no conflicts (2 of 4 stars). 3 submissions from 3 submitters: Uncertain significance (3). Last evaluated 2025-01-28.

Conditions:
Inborn genetic diseases. Identifiers: MedGen C0950123, MeSH D030342.
Isolated cryptophthalmia. Also called: Cryptophthalmos, unilateral or bilateral, isolated; ANKYLOBLEPHARON, SIMPLE. Identifiers: Orphanet 91396, MedGen C1852453, MONDO:0007410, OMIM 123570.
Fraser syndrome 2 (FRASRS2). Identifiers: MedGen C4540036, MONDO:0054738, OMIM 617666.
FREM2-related disorder. Also called: FREM2-related condition.

gnomAD v4.1: 103 of 1,614,022 alleles (0.0064%); highest among the groups gnomAD compares: Non-Finnish European, 0.0073%; no homozygotes.

Submissions (3):

PreventionGenetics, part of Exact Sciences
Classification: Uncertain significance for FREM2-related condition. Last evaluated: 2025-01-28. Review status: criteria provided, single submitter. Criteria: ACMG Guidelines, 2015. Collection method: clinical testing. Allele origin: germline.
Comment: The FREM2 c.1127G>A variant is predicted to result in the amino acid substitution p.Arg376His. To our knowledge, this variant has not been reported in the literature. This variant is reported in 0.0054% of alleles in individuals of European (Non-Finnish) descent in gnomAD. At this time, the clinical significance of this variant is uncertain due to the absence of conclusive functional and genetic evidence.

Ambry Genetics
Classification: Uncertain significance for Inborn genetic diseases. Last evaluated: 2024-06-16. Review status: criteria provided, single submitter. Criteria: Ambry Variant Classification Scheme 2023. Collection method: clinical testing. Allele origin: germline.

Fulgent Genetics
Classification: Uncertain significance for Isolated cryptophthalmia; Fraser syndrome 2. Last evaluated: 2024-04-17. Review status: criteria provided, single submitter. Criteria: ACMG Guidelines, 2015. Collection method: clinical testing. Allele origin: germline.